The following is an entry in ClinVar:

ClinVar aggregate classification (germline): Uncertain significance. Review status: criteria provided, multiple submitters, no conflicts (2 of 4 stars). 3 submissions from 3 submitters: Uncertain significance (3). Last evaluated 2025-11-23.

Conditions:
Inborn genetic diseases. Identifiers: MedGen C0950123, MeSH D030342.

Allele frequency attached by ClinVar (database versions not stated): 1000 Genomes Project 0.00020; gnomAD 0.00006 and 0.00007; ESP Exome Variant Server 0.00008; ExAC 0.00002; TOPMed 0.00008; 1000 Genomes Project 30x 0.00031.
gnomAD v4.1: 60 of 1,609,468 alleles (0.0037%); highest among the groups gnomAD compares: African/African-American, 0.015%; no homozygotes.

Submissions (3):

Ambry Genetics
Classification: Uncertain significance for Inborn genetic diseases. Last evaluated: 2025-11-23. Review status: criteria provided, single submitter. Criteria: Ambry Variant Classification Scheme 2023. Collection method: clinical testing. Allele origin: germline.

Mayo Clinic Laboratories, Mayo Clinic
Classification: Uncertain significance. Last evaluated: 2024-12-21. Review status: criteria provided, single submitter. Criteria: ACMG Guidelines, 2015. Collection method: clinical testing. Allele origin: germline. Observed: 1 variant allele.
Comment: BP4

Labcorp Genetics (formerly Invitae), Labcorp
Classification: Uncertain significance. Last evaluated: 2022-07-18. Review status: criteria provided, single submitter. Criteria: Invitae Variant Classification Sherloc (09022015). Collection method: clinical testing. Allele origin: germline.
Comment: This sequence change replaces alanine, which is neutral and non-polar, with threonine, which is neutral and polar, at codon 3124 of the LAMA5 protein (p.Ala3124Thr). This variant is present in population databases (rs377731667, gnomAD 0.009%). This variant has not been reported in the literature in individuals affected with LAMA5-related conditions. ClinVar contains an entry for this variant (Variation ID: 1410847). Algorithms developed to predict the effect of missense changes on protein structure and function output the following: SIFT: "Tolerated"; PolyPhen-2: "Benign"; Align-GVGD: "Class C0". The threonine amino acid residue is found in multiple mammalian species, which suggests that this missense change does not adversely affect protein function. In summary, the available evidence is currently insufficient to determine the role of this variant in disease. Therefore, it has been classified as a Variant of Uncertain Significance.

NM_005560.6(LAMA5):c.9370G>A (p.Ala3124Thr)

Gene: LAMA5 (laminin subunit alpha 5; minus strand). Cytogenetic location: 20q13.33.
Variant type: single nucleotide variant.
Coding change: c.9370G>A on transcript NM_005560.6 (MANE Select); coding-DNA position 9370, G replaced by A.
Protein change: p.Ala3124Thr; replaces alanine 3124 with threonine.
Molecular consequence: missense variant.
Genome position (GRCh38, 1-based): chr20:62,312,307, C>T on the plus strand (G>A on the coding strand, the complement: LAMA5 is on the minus strand). VCF-style: chr20-62312307-C-T. GRCh37 (hg19) VCF-style: chr20-60887363-C-T.
Other names: p.Ala3124Thr; c.9370G>A (NM_005560.3); short protein forms A3124T.
Identifiers: ClinVar variation 1410847 (VCV001410847.5), dbSNP rs377731667, ClinGen allele CA9940266.